The following is an entry in ClinVar:

ClinVar aggregate classification (germline): Pathogenic (1 of 4 stars; one submission).

Submission:

Labcorp Genetics (formerly Invitae), Labcorp
Classification: Pathogenic. Last evaluated: 2023-10-18. Review status: criteria provided, single submitter. Criteria: Invitae Variant Classification Sherloc (09022015). Collection method: clinical testing. Allele origin: germline.
Comment: This sequence change creates a premature translational stop signal (p.Met448Serfs*7) in the TMPRSS3 gene. While this is not anticipated to result in nonsense mediated decay, it is expected to disrupt the last 7 amino acid(s) of the TMPRSS3 protein. This variant is present in population databases (no rsID available, gnomAD 0.007%). This variant has not been reported in the literature in individuals affected with TMPRSS3-related conditions. ClinVar contains an entry for this variant (Variation ID: 1909242). This variant disrupts a region of the TMPRSS3 protein in which other variant(s) (p.Met448Thr) have been determined to be pathogenic (PMID: 28566687, 31412945, 32860223). This suggests that this is a clinically significant region of the protein, and that variants that disrupt it are likely to be disease-causing. For these reasons, this variant has been classified as Pathogenic.

Literature cited by the submitters: PubMed 28566687; PubMed 31412945; PubMed 32860223.

NM_001256317.3(TMPRSS3):c.1335_1339dup (p.Met447fs)

Gene: TMPRSS3 (transmembrane serine protease 3; minus strand). Cytogenetic location: 21q22.3.
Variant type: Duplication.
Coding change: c.1335_1339dup on transcript NM_001256317.3 (MANE Select); coding-DNA positions 1335 to 1339, 5 bases duplicated (GCAGA; older notation c.1335_1339dupGCAGA).
Protein change: p.Met447fs; shifts the reading frame from methionine 447.
Molecular consequence: frameshift variant.
Genome position (GRCh38, 1-based): chr21:42,375,721-42,375,725, TCTGC duplicated on the plus strand (GCAGA on the coding strand, the reverse complement: TMPRSS3 is on the minus strand); duplicating any 5 consecutive bases within chr21:42,375,721-42,375,727 gives the same sequence; the c. name uses the placement nearest the transcript's 3' end. VCF-style (leftmost placement, unchanged base first): chr21-42375720-A-ATCTGC. GRCh37 (hg19) VCF-style: chr21-43795829-A-ATCTGC.
Other names: c.1338_1342dup, p.Met448fs (NM_024022.4); c.957_961dup, p.Met321fs (NM_032404.3); short protein forms M321fs, M447fs, M448fs.
Identifiers: ClinVar variation 1909242 (VCV001909242.5), dbSNP rs1351236437, ClinGen allele CA638058609.